The following is an entry in ClinVar:

ClinVar aggregate classification (germline): Uncertain significance. Review status: criteria provided, multiple submitters, no conflicts (2 of 4 stars). 6 submissions from 6 submitters: Uncertain significance (6). Last evaluated 2025-11-05.

Conditions:
ACTC1-related disorder. Also called: ACTC1-related condition.
Cardiovascular phenotype. Identifiers: MedGen CN230736.
Atrial septal defect 5 (ASD5). Identifiers: Orphanet 1478, MedGen C2748552, MONDO:0013011, OMIM 612794.
Hypertrophic cardiomyopathy 11. Also called: ACTC1-Related Familial Hypertrophic Cardiomyopathy. Identifiers: MedGen C2677506, MONDO:0012799, OMIM 612098.
Dilated cardiomyopathy 1R (CMD1R). Identifiers: Orphanet 154, Orphanet 54260, MedGen C3150681, MONDO:0013261, OMIM 613424.
Cardiomyopathy (CMYO). Also called: Cardiomyopathies. Identifiers: Orphanet 167848, MedGen C0878544, MONDO:0004994, HP:0001638. Inheritance: Various modes of inheritance.

Submissions (6):

Ambry Genetics
Classification: Uncertain significance for Cardiovascular phenotype. Last evaluated: 2025-11-05. Review status: criteria provided, single submitter. Criteria: Ambry Variant Classification Scheme 2023. Collection method: clinical testing. Allele origin: germline.
Comment: The p.I177V variant (also known as c.529A>G), located in coding exon 3 of the ACTC1 gene, results from an A to G substitution at nucleotide position 529. The isoleucine at codon 177 is replaced by valine, an amino acid with highly similar properties. This amino acid position is highly conserved in available vertebrate species. In addition, the in silico prediction for this alteration is inconclusive. Based on the available evidence, the clinical significance of this variant remains unclear.

PreventionGenetics, part of Exact Sciences
Classification: Uncertain significance for ACTC1-related condition. Last evaluated: 2025-05-08. Review status: criteria provided, single submitter. Criteria: ACMG Guidelines, 2015. Collection method: clinical testing. Allele origin: germline.
Comment: The ACTC1 c.529A>G variant is predicted to result in the amino acid substitution p.Ile177Val. To our knowledge, this variant has not been reported in the literature or in a large population database, indicating this variant is rare. At this time, the clinical significance of this variant is uncertain due to the absence of conclusive functional and genetic evidence.

Labcorp Genetics (formerly Invitae), Labcorp
Classification: Uncertain significance for Dilated cardiomyopathy 1R; Hypertrophic cardiomyopathy 11; Atrial septal defect 5. Last evaluated: 2024-07-30. Review status: criteria provided, single submitter. Criteria: Invitae Variant Classification Sherloc (09022015). Collection method: clinical testing. Allele origin: germline.
Comment: This sequence change replaces isoleucine, which is neutral and non-polar, with valine, which is neutral and non-polar, at codon 177 of the ACTC1 protein (p.Ile177Val). This variant is not present in population databases (gnomAD no frequency). This variant has not been reported in the literature in individuals affected with ACTC1-related conditions. ClinVar contains an entry for this variant (Variation ID: 180757). Advanced modeling of protein sequence and biophysical properties (such as structural, functional, and spatial information, amino acid conservation, physicochemical variation, residue mobility, and thermodynamic stability) performed at Invitae indicates that this missense variant is not expected to disrupt ACTC1 protein function with a negative predictive value of 80%. In summary, the available evidence is currently insufficient to determine the role of this variant in disease. Therefore, it has been classified as a Variant of Uncertain Significance.

Blueprint Genetics
Classification: Uncertain significance. Last evaluated: 2023-11-03. Review status: criteria provided, single submitter. Criteria: ACMG Guidelines, 2015. Collection method: clinical testing. Allele origin: germline.

CHEO Genetics Diagnostic Laboratory, Children's Hospital of Eastern Ontario
Classification: Uncertain significance for Cardiomyopathy. Last evaluated: 2017-01-26. Review status: criteria provided, single submitter. Criteria: ACMG Guidelines, 2015. Collection method: clinical testing. Allele origin: germline. Study: Canadian Open Genetics Repository.

Stanford Center for Inherited Cardiovascular Disease, Stanford University
Classification: Uncertain significance. Last evaluated: 2014-07-05. Review status: criteria provided, single submitter. Criteria: ACMG Guidelines, 2015. Collection method: provider interpretation. Allele origin: germline.

NM_005159.5(ACTC1):c.529A>G (p.Ile177Val)

Genes: ACTC1 (actin alpha cardiac muscle 1; minus strand), GJD2-DT (GJD2 divergent transcript; plus strand). Cytogenetic location: 15q14.
Variant type: single nucleotide variant.
Coding change: c.529A>G on transcript NM_005159.5 (MANE Select); coding-DNA position 529, A replaced by G.
Protein change: p.Ile177Val; replaces isoleucine 177 with valine.
Molecular consequence: missense variant.
Genome position (GRCh38, 1-based): chr15:34,792,495, T>C on the plus strand (A>G on the coding strand, the complement: ACTC1 is on the minus strand). VCF-style: chr15-34792495-T-C. GRCh37 (hg19) VCF-style: chr15-35084696-T-C.
Other names: c.529A>G (LRG_388t1); short protein forms I177V.
Identifiers: ClinVar variation 180757 (VCV000180757.18), dbSNP rs730880392, ClinGen allele CA019814.